The following is an entry in ClinVar:

ClinVar aggregate classification (germline): Pathogenic. Review status: criteria provided, single submitter (1 of 4 stars). 2 submissions from 2 submitters: Pathogenic (1). 1 of the submissions does not count toward it. Last evaluated 2020-10-10.

Conditions:
Nemaline myopathy 2 (NEM2). Also called: Nemaline myopathy 2, autosomal recessive. Identifiers: MedGen C1850569, MONDO:0009725, OMIM 256030.
NEB-related disorder. Also called: NEB-related condition; NEB-Related Disorders.

Submissions (2):

Labcorp Genetics (formerly Invitae), Labcorp
Classification: Pathogenic for Nemaline myopathy 2. Last evaluated: 2020-10-10. Review status: criteria provided, single submitter. Criteria: Invitae Variant Classification Sherloc (09022015). Collection method: clinical testing. Allele origin: germline.
Comment: For these reasons, this variant has been classified as Pathogenic. Loss-of-function variants in NEB are known to be pathogenic (PMID: 25205138). This variant has not been reported in the literature in individuals with NEB-related conditions. This variant is not present in population databases (ExAC no frequency). This sequence change creates a premature translational stop signal (p.Tyr1088*) in the NEB gene. It is expected to result in an absent or disrupted protein product.

PreventionGenetics, part of Exact Sciences
Classification: Likely pathogenic for NEB-related condition. Last evaluated: 2024-03-01. Review status: no assertion criteria provided. Collection method: clinical testing. Allele origin: germline. Not counted in ClinVar's aggregate classification.
Comment: The NEB c.3264_3265delCA variant is predicted to result in premature protein termination (p.Tyr1088*). To our knowledge, this variant has not been reported in the literature. This variant has not been reported in a large population database, indicating this variant is rare. Nonsense variants in NEB are expected to be pathogenic. This variant is interpreted as likely pathogenic.

Literature cited by the submitters: PubMed 25205138 (cited by Labcorp Genetics (formerly Invitae), Labcorp).

NM_001164508.2(NEB):c.3264_3265del (p.Tyr1088_Lys1089delinsTer)

Gene: NEB (nebulin; minus strand). Cytogenetic location: 2q23.3.
Variant type: Deletion.
Coding change: c.3264_3265del on transcript NM_001164508.2 (MANE Select); coding-DNA positions 3264 to 3265, 2 bases deleted (CA; older notation c.3264_3265delCA).
Protein change: p.Tyr1088_Lys1089delinsTer.
Molecular consequence: nonsense.
Genome position (GRCh38, 1-based): chr2:151,678,178-151,678,179, TG deleted on the plus strand (CA on the coding strand, the reverse complement: NEB is on the minus strand); deleting any 2 consecutive bases within chr2:151,678,178-151,678,180 gives the same sequence; the c. name uses the placement nearest the transcript's 3' end. VCF-style (leftmost placement, unchanged base first): chr2-151678177-TTG-T. GRCh37 (hg19) VCF-style: chr2-152534691-TTG-T.
Other names: c.3264_3265del, p.Tyr1088_Lys1089delinsTer (NM_001164507.2, NM_001271208.2, NM_004543.5); c.3264_3265delCA (NM_001271208.1).
Identifiers: ClinVar variation 972358 (VCV000972358.12), dbSNP rs2099386637, ClinGen allele CA1139657255.